The following is an entry in ClinVar:

NM_000587.4(C7):c.1183A>G (p.Asn395Asp)

Gene: C7 (complement C7; plus strand). Cytogenetic location: 5p13.1.
Variant type: single nucleotide variant.
Coding change: c.1183A>G on transcript NM_000587.4 (MANE Select); coding-DNA position 1183, A replaced by G.
Protein change: p.Asn395Asp; replaces asparagine 395 with aspartic acid.
Molecular consequence: missense variant.
Genome position (GRCh38, 1-based): chr5:40,955,476, A>G. VCF-style: chr5-40955476-A-G. GRCh37 (hg19) VCF-style: chr5-40955578-A-G.
Other names: c.1183A>G (NM_000587.2); short protein forms N395D.
Identifiers: ClinVar variation 1063159 (VCV001063159.9), dbSNP rs752038622, ClinGen allele CA3249882.

ClinVar aggregate classification (germline): Uncertain significance. Review status: criteria provided, multiple submitters, no conflicts (2 of 4 stars). 2 submissions from 2 submitters: Uncertain significance (2). Last evaluated 2025-08-31.

Conditions:
Inborn genetic diseases. Identifiers: MedGen C0950123, MeSH D030342.

Allele frequency attached by ClinVar (database versions not stated): TOPMed 0.00002; ExAC 0.00003; gnomAD 0.00003 and 0.00002; gnomAD exomes 0.00002.
gnomAD v4.1: 39 of 1,613,380 alleles (0.0024%); highest among the groups gnomAD compares: Non-Finnish European, 0.0031%; no homozygotes.

Submissions (2):

Ambry Genetics
Classification: Uncertain significance for Inborn genetic diseases. Last evaluated: 2025-08-31. Review status: criteria provided, single submitter. Criteria: Ambry Variant Classification Scheme 2023. Collection method: clinical testing. Allele origin: germline.

Labcorp Genetics (formerly Invitae), Labcorp
Classification: Uncertain significance. Last evaluated: 2023-10-13. Review status: criteria provided, single submitter. Criteria: Invitae Variant Classification Sherloc (09022015). Collection method: clinical testing. Allele origin: germline.
Comment: This sequence change replaces asparagine, which is neutral and polar, with aspartic acid, which is acidic and polar, at codon 395 of the C7 protein (p.Asn395Asp). This variant is present in population databases (rs752038622, gnomAD 0.005%). This variant has not been reported in the literature in individuals affected with C7-related conditions. ClinVar contains an entry for this variant (Variation ID: 1063159). Advanced modeling of protein sequence and biophysical properties (such as structural, functional, and spatial information, amino acid conservation, physicochemical variation, residue mobility, and thermodynamic stability) performed at Invitae indicates that this missense variant is not expected to disrupt C7 protein function. In summary, the available evidence is currently insufficient to determine the role of this variant in disease. Therefore, it has been classified as a Variant of Uncertain Significance.